The following is an entry in ClinVar:

NM_017654.4(SAMD9):c.4546G>A (p.Asp1516Asn)

Gene: SAMD9 (sterile alpha motif domain containing 9; minus strand). Cytogenetic location: 7q21.2.
Variant type: single nucleotide variant.
Coding change: c.4546G>A on transcript NM_017654.4 (MANE Select); coding-DNA position 4546, G replaced by A.
Protein change: p.Asp1516Asn; replaces aspartic acid 1516 with asparagine.
Molecular consequence: missense variant.
Genome position (GRCh38, 1-based): chr7:93,101,552, C>T on the plus strand (G>A on the coding strand, the complement: SAMD9 is on the minus strand). VCF-style: chr7-93101552-C-T. GRCh37 (hg19) VCF-style: chr7-92730865-C-T.
Other names: c.4546G>A, p.Asp1516Asn (NM_001193307.2); short protein forms D1516N.
Identifiers: ClinVar variation 3792145 (VCV003792145.3).

ClinVar aggregate classification (germline): Uncertain significance. Review status: criteria provided, multiple submitters, no conflicts (2 of 4 stars). 2 submissions from 2 submitters: Uncertain significance (2). Last evaluated 2025-11-10.

Conditions:
Inborn genetic diseases. Identifiers: MedGen C0950123, MeSH D030342.

Submissions (2):

Labcorp Genetics (formerly Invitae), Labcorp
Classification: Uncertain significance. Last evaluated: 2025-11-10. Review status: criteria provided, single submitter. Criteria: Invitae Variant Classification Sherloc (09022015). Collection method: clinical testing. Allele origin: germline.
Comment: This sequence change replaces aspartic acid, which is acidic and polar, with asparagine, which is neutral and polar, at codon 1516 of the SAMD9 protein (p.Asp1516Asn). This variant is not present in population databases (gnomAD no frequency). This variant has not been reported in the literature in individuals affected with SAMD9-related conditions. ClinVar contains an entry for this variant (Variation ID: 3792145). Invitae Evidence Modeling of protein sequence and biophysical properties (such as structural, functional, and spatial information, amino acid conservation, physicochemical variation, residue mobility, and thermodynamic stability) indicates that this missense variant is not expected to disrupt SAMD9 protein function with a negative predictive value of 95%. In summary, the available evidence is currently insufficient to determine the role of this variant in disease. Therefore, it has been classified as a Variant of Uncertain Significance.

Ambry Genetics
Classification: Uncertain significance for Inborn genetic diseases. Last evaluated: 2025-09-26. Review status: criteria provided, single submitter. Criteria: Ambry Variant Classification Scheme 2023. Collection method: clinical testing. Allele origin: germline.